The following is an entry in ClinVar:

NM_002900.3(RBP3):c.1247C>T (p.Pro416Leu)

Gene: RBP3 (retinol binding protein 3; plus strand). Cytogenetic location: 10q11.22.
Variant type: single nucleotide variant.
Coding change: c.1247C>T on transcript NM_002900.3 (MANE Select); coding-DNA position 1247, C replaced by T.
Protein change: p.Pro416Leu; replaces proline 416 with leucine.
Molecular consequence: missense variant.
Genome position (GRCh38, 1-based): chr10:47,349,731, C>T. VCF-style: chr10-47349731-C-T. GRCh37 (hg19) VCF-style: chr10-48389631-G-A.
Other names: short protein forms P416L.
Identifiers: ClinVar variation 1349740 (VCV001349740.8), dbSNP rs1555211181, ClinGen allele CA376669059.
Genomic context (GRCh38, chr10:47,349,731, plus strand): 5'-CTTCTTGGCCCGCGCCCGACGCTGCAGCCGAAGACTCACCAGGGGTGGCCCCAGAGTTGC[C>T]TGAGGACGAGGCTATCCGGCAAGCACTGGTGGACTCTGTGTTCCAGGTGTCGGTGCTGCC-3'
Protein context (NP_002891.1, residues 406-426): EDSPGVAPEL[Pro416Leu]EDEAIRQALV

ClinVar aggregate classification (germline): Uncertain significance (1 of 4 stars; one submission).

Allele frequency attached by ClinVar (database versions not stated): gnomAD exomes below 0.00001.

Submission:

Labcorp Genetics (formerly Invitae), Labcorp
Classification: Uncertain significance. Last evaluated: 2021-04-28. Review status: criteria provided, single submitter. Criteria: Invitae Variant Classification Sherloc (09022015). Collection method: clinical testing. Allele origin: germline.
Comment: In summary, the available evidence is currently insufficient to determine the role of this variant in disease. Therefore, it has been classified as a Variant of Uncertain Significance. Algorithms developed to predict the effect of missense changes on protein structure and function are either unavailable or do not agree on the potential impact of this missense change (SIFT: "Deleterious"; PolyPhen-2: "Probably Damaging"; Align-GVGD: "Class C0"). This variant has not been reported in the literature in individuals with RBP3-related conditions. This variant is not present in population databases (ExAC no frequency). This sequence change replaces proline with leucine at codon 416 of the RBP3 protein (p.Pro416Leu). The proline residue is highly conserved and there is a moderate physicochemical difference between proline and leucine.